The following is an entry in ClinVar:

ClinVar aggregate classification (germline): Pathogenic. Review status: criteria provided, single submitter (1 of 4 stars). 3 submissions from 3 submitters: Pathogenic (1). 2 of the submissions do not count toward it. Last evaluated 2025-05-07.

Conditions:
ERCC6-related disorder. Also called: ERCC6-related condition; ERCC6-related disorders. Identifiers: MedGen CN239385.
Cerebrooculofacioskeletal syndrome 1 (COFS1). Also called: Cerebro-oculo-facio-skeletal syndrome 1. Identifiers: MedGen C0220722, MONDO:0008955, OMIM 214150.

Allele frequency attached by ClinVar (database versions not stated): ExAC 0.00001; ESP Exome Variant Server 0.00008; gnomAD exomes below 0.00001.

Submissions (3):

GeneDx
Classification: Pathogenic. Last evaluated: 2025-05-07. Review status: criteria provided, single submitter. Criteria: GeneDx Variant Classification Process June 2021. Collection method: clinical testing. Allele origin: germline.
Comment: Frameshift variant predicted to result in protein truncation or nonsense mediated decay in a gene for which loss of function is a known mechanism of disease; Not observed at significant frequency in large population cohorts (gnomAD); This variant is associated with the following publications: (PMID: 18628313, 10739753)

PreventionGenetics, part of Exact Sciences
Classification: Pathogenic for ERCC6-related condition. Last evaluated: 2024-07-24. Review status: no assertion criteria provided. Collection method: clinical testing. Allele origin: germline. Not counted in ClinVar's aggregate classification.
Comment: The ERCC6 c.3715_3716delAA variant is predicted to result in a frameshift and premature protein termination (p.Lys1239Glufs*2). This variant was reported in the homozygous state in multiple individuals with cerebro-oculo-facio-skeletal syndrome (Meira et al 2000. PubMed ID: 10739753). This variant is reported in 0.00088% of alleles in individuals of European (Non-Finnish) descent in gnomAD. Frameshift variants in ERCC6 are expected to be pathogenic. This variant is interpreted as pathogenic.

OMIM
Classification: Pathogenic for CEREBROOCULOFACIOSKELETAL SYNDROME 1. Last evaluated: 2000-04-01. Review status: no assertion criteria provided. Collection method: literature only. Allele origin: germline. Not counted in ClinVar's aggregate classification.

Literature cited by the submitters: PubMed 10739753 (cited by OMIM).

NM_000124.4(ERCC6):c.3715_3716del (p.Lys1239fs)

Gene: ERCC6 (ERCC excision repair 6, chromatin remodeling factor; minus strand). Cytogenetic location: 10q11.23.
Variant type: Deletion.
Coding change: c.3715_3716del on transcript NM_000124.4 (MANE Select); coding-DNA positions 3715 to 3716, 2 bases deleted (AA; older notation c.3715_3716delAA).
Protein change: p.Lys1239fs; shifts the reading frame from lysine 1239.
Molecular consequence: frameshift variant.
Genome position (GRCh38, 1-based): chr10:49,470,244-49,470,245, TT deleted on the plus strand (AA on the coding strand, the reverse complement: ERCC6 is on the minus strand). VCF-style (leftmost placement, unchanged base first): chr10-49470243-CTT-C. GRCh37 (hg19) VCF-style: chr10-50678289-CTT-C.
Other names: c.3715_3716del, p.Lys1239fs (NM_001346440.2); c.3715_3716del (NM_000124.2); c.3715_3716delAA (NM_000124.3); short protein forms K1239fs.
Identifiers: ClinVar variation 1706 (VCV000001706.4), dbSNP rs758341467, ClinGen allele CA5495293.
Genomic context (GRCh38, chr10:49,470,243, plus strand): 5'-TGATTTTTTGAAAAGCTTTTCCAAAACATAATCGTCATTGCTCTGTTCCTTGGCCTCACT[CTT>C]GTTTTCACTGTCTTGCTTCTGGTAACGCCTTTTCTTCACCAGGTGTGGAATTCGAGTTCC-3'